The following is an entry in ClinVar:

NM_001277115.2(DNAH11):c.10638G>A (p.Thr3546=)

Gene: DNAH11 (dynein axonemal heavy chain 11; plus strand). Cytogenetic location: 7p15.3.
Variant type: single nucleotide variant.
Coding change: c.10638G>A on transcript NM_001277115.2 (MANE Select); coding-DNA position 10638, G replaced by A.
Protein change: p.Thr3546=; no amino-acid change (threonine 3546 retained).
Molecular consequence: synonymous variant.
Genome position (GRCh38, 1-based): chr7:21,818,286, G>A. VCF-style: chr7-21818286-G-A. GRCh37 (hg19) VCF-style: chr7-21857904-G-A.
Other names: c.10638G>A (NM_001277115.1); c.10659G>A, p.Thr3553= (NM_003777.3).
Identifiers: ClinVar variation 2049818 (VCV002049818.7), dbSNP rs774414709, ClinGen allele CA4182424.

ClinVar aggregate classification (germline): Benign/Likely benign. Review status: criteria provided, multiple submitters, no conflicts (2 of 4 stars). 3 submissions from 3 submitters: Benign (1); Likely benign (1). 1 of the submissions does not count toward it. Last evaluated 2026-09-01.

Conditions:
Primary ciliary dyskinesia. Also called: Ciliary dyskinesia. Identifiers: Orphanet 244, MedGen C0008780, MONDO:0016575, HP:0012265.
DNAH11-related disorder. Also called: DNAH11-related condition.

Allele frequency attached by ClinVar (database versions not stated): TOPMed 0.00004; ExAC 0.00010; gnomAD 0.00001; gnomAD exomes 0.00003.
gnomAD v4.1: 40 of 1,611,796 alleles (0.0025%); highest among the groups gnomAD compares: Admixed American, 0.047%; no homozygotes.

Submissions (3):

CeGaT Center for Human Genetics Tuebingen
Classification: Likely benign. Last evaluated: 2026-09-01. Review status: criteria provided, single submitter. Criteria: CeGaT Center For Human Genetics Tuebingen Variant Classification Criteria Version 2. Collection method: clinical testing. Allele origin: germline. Affected: yes. Observed: 1 variant allele.
Comment: DNAH11: BP4, BP7

Labcorp Genetics (formerly Invitae), Labcorp
Classification: Benign for Primary ciliary dyskinesia. Last evaluated: 2025-12-09. Review status: criteria provided, single submitter. Criteria: Invitae Variant Classification Sherloc (09022015). Collection method: clinical testing. Allele origin: germline.

PreventionGenetics, part of Exact Sciences
Classification: Likely benign for DNAH11-related condition. Last evaluated: 2022-07-13. Review status: no assertion criteria provided. Collection method: clinical testing. Allele origin: germline. Not counted in ClinVar's aggregate classification.
Comment: This variant is classified as likely benign based on ACMG/AMP sequence variant interpretation guidelines (Richards et al. 2015 PMID: 25741868, with internal and published modifications).